The following is an entry in ClinVar:

NM_001136191.3(KANK2):c.59C>T (p.Pro20Leu)

Gene: KANK2 (KN motif and ankyrin repeat domains 2; minus strand). Cytogenetic location: 19p13.2.
Variant type: single nucleotide variant.
Coding change: c.59C>T on transcript NM_001136191.3 (MANE Select); coding-DNA position 59, C replaced by T.
Protein change: p.Pro20Leu; replaces proline 20 with leucine.
Molecular consequence: missense variant.
Genome position (GRCh38, 1-based): chr19:11,194,021, G>A on the plus strand (C>T on the coding strand, the complement: KANK2 is on the minus strand). VCF-style: chr19-11194021-G-A. GRCh37 (hg19) VCF-style: chr19-11304697-G-A.
Other names: c.59C>T, p.Pro20Leu (NM_001379548.1, NM_001379549.1, NM_001379550.1 and 15 more transcripts); short protein forms P20L.
Identifiers: ClinVar variation 2753451 (VCV002753451.3), dbSNP rs2512835853, ClinGen allele CA404091690.

ClinVar aggregate classification (germline): Uncertain significance (1 of 4 stars; one submission).

Submission:

Labcorp Genetics (formerly Invitae), Labcorp
Classification: Uncertain significance. Last evaluated: 2023-08-17. Review status: criteria provided, single submitter. Criteria: Invitae Variant Classification Sherloc (09022015). Collection method: clinical testing. Allele origin: germline.
Comment: In summary, the available evidence is currently insufficient to determine the role of this variant in disease. Therefore, it has been classified as a Variant of Uncertain Significance. This sequence change replaces proline, which is neutral and non-polar, with leucine, which is neutral and non-polar, at codon 20 of the KANK2 protein (p.Pro20Leu). This variant is not present in population databases (gnomAD no frequency). This variant has not been reported in the literature in individuals affected with KANK2-related conditions. An algorithm developed to predict the effect of missense changes on protein structure and function (PolyPhen-2) suggests that this variant is likely to be disruptive.